The following is an entry in ClinVar:

NM_006059.4(LAMC3):c.4158C>A (p.Asn1386Lys)

Gene: LAMC3 (laminin subunit gamma 3; plus strand). Cytogenetic location: 9q34.12.
Variant type: single nucleotide variant.
Coding change: c.4158C>A on transcript NM_006059.4 (MANE Select); coding-DNA position 4158, C replaced by A.
Protein change: p.Asn1386Lys; replaces asparagine 1386 with lysine.
Molecular consequence: missense variant.
Genome position (GRCh38, 1-based): chr9:131,085,651, C>A. VCF-style: chr9-131085651-C-A. GRCh37 (hg19) VCF-style: chr9-133961038-C-A.
Other names: short protein forms N1386K.
Identifiers: ClinVar variation 2079466 (VCV002079466.4), dbSNP rs370616030, ClinGen allele CA375264665.

ClinVar aggregate classification (germline): Uncertain significance (1 of 4 stars; one submission).

gnomAD v4.1: 1 of 1,614,166 alleles (0.000062%); highest among the groups gnomAD compares: Admixed American, 0.0017%; no homozygotes.

Submission:

Labcorp Genetics (formerly Invitae), Labcorp
Classification: Uncertain significance. Last evaluated: 2023-04-26. Review status: criteria provided, single submitter. Criteria: Invitae Variant Classification Sherloc (09022015). Collection method: clinical testing. Allele origin: germline.
Comment: This sequence change replaces asparagine, which is neutral and polar, with lysine, which is basic and polar, at codon 1386 of the LAMC3 protein (p.Asn1386Lys). In summary, the available evidence is currently insufficient to determine the role of this variant in disease. Therefore, it has been classified as a Variant of Uncertain Significance. An algorithm developed to predict the effect of missense changes on protein structure and function (PolyPhen-2) suggests that this variant is likely to be disruptive. ClinVar contains an entry for this variant (Variation ID: 2079466). This variant has not been reported in the literature in individuals affected with LAMC3-related conditions. This variant is not present in population databases (gnomAD no frequency).